The following is an entry in ClinVar:

ClinVar aggregate classification (germline): Pathogenic/Likely pathogenic. Review status: criteria provided, multiple submitters, no conflicts (2 of 4 stars). 6 submissions from 6 submitters: Pathogenic (3); Likely pathogenic (2). 1 of the submissions does not count toward it. Last evaluated 2025-03-05.

Conditions:
X-linked Alport syndrome (ATS1). Also called: NEPHROPATHY AND DEAFNESS, X-LINKED; COL4A5-Related Nephropathy. Identifiers: Orphanet 63, Orphanet 88917, MedGen C4746986, MONDO:0010520, OMIM 301050.

Submissions (6):

Labcorp Genetics (formerly Invitae), Labcorp
Classification: Pathogenic. Last evaluated: 2025-03-05. Review status: criteria provided, single submitter. Criteria: Invitae Variant Classification Sherloc (09022015). Collection method: clinical testing. Allele origin: germline.
Comment: This sequence change replaces glycine, which is neutral and non-polar, with aspartic acid, which is acidic and polar, at codon 1137 of the COL4A5 protein (p.Gly1137Asp). This variant is not present in population databases (gnomAD no frequency). This missense change has been observed in individuals with clinical features of Alport syndrome (PMID: 24304881, 29270492; external communication). ClinVar contains an entry for this variant (Variation ID: 430135). Invitae Evidence Modeling of protein sequence and biophysical properties (such as structural, functional, and spatial information, amino acid conservation, physicochemical variation, residue mobility, and thermodynamic stability) indicates that this missense variant is expected to disrupt COL4A5 protein function with a positive predictive value of 95%. This variant disrupts the triple helix domain of COL4A5. Glycine residues within the Gly-Xaa-Yaa repeats of the triple helix domain are required for the structure and stability of fibrillar collagens (PMID: 7695699, 8218237, 19344236). In COL4A5, missense variants at these glycine residues are significantly enriched in individuals with disease (PMID: 23720012, 27627812) compared to the general population (ExAC). For these reasons, this variant has been classified as Pathogenic.

Natera, Inc.
Classification: Likely pathogenic for X-linked Alport syndrome. Last evaluated: 2024-07-08. Review status: criteria provided, single submitter. Criteria: Natera Variant Classification Schema (03/2026). Collection method: clinical testing. Allele origin: germline.
Comment: The c.3410G>A variant in COL4A5 is a missense variant predicted to cause substitution of glycine to aspartic acid at amino acid 1137. This variant is rare in the general population with a frequency below the threshold expected for the associated phenotype(s). This variant has been observed in affected individual(s) with monoallelic occurrence (heterozygous/hemizygous) (PMID: 24304881). This variant is located in a functionally critical region of the protein. Computational prediction algorithms indicate this variant is likely to affect gene or protein function. Given the available evidence, this variant is classified as Likely Pathogenic.

Fulgent Genetics
Classification: Likely pathogenic for X-linked Alport syndrome. Last evaluated: 2024-03-25. Review status: criteria provided, single submitter. Criteria: ACMG Guidelines, 2015. Collection method: clinical testing. Allele origin: germline.

GeneDx
Classification: Pathogenic. Last evaluated: 2023-01-25. Review status: criteria provided, single submitter. Criteria: GeneDx Variant Classification Process June 2021. Collection method: clinical testing. Allele origin: germline. Affected: yes.
Comment: Affects a glycine residue in a Gly-X-Y motif in the triple helical region of the COL4A5 gene, where the majority of pathogenic missense variants occur, and is predicted to disrupt normal protein folding and function (HGMD; Jais et al., 2000); Not observed in large population cohorts (gnomAD); In silico analysis supports that this missense variant has a deleterious effect on protein structure/function; This variant is associated with the following publications: (PMID: 24304881)

Athena Diagnostics
Classification: Pathogenic. Last evaluated: 2021-03-18. Review status: criteria provided, single submitter. Criteria: Athena Diagnostics criteria. Collection method: clinical testing. Allele origin: unknown.
Comment: This variant has not been reported in large, multi-ethnic general populations. This variant has been identified in at least one individual with clinical features associated with this gene. This variant alters a critical location within the protein, and is expected to severely affect function and cause disease.

Bioscientia Institut fuer Medizinische Diagnostik GmbH, Sonic Healthcare
Classification: Pathogenic for X-linked Alport syndrome. Last evaluated: 2020-01-08. Review status: no assertion criteria provided. Collection method: clinical testing. Allele origin: germline. Affected: yes. Not counted in ClinVar's aggregate classification.

Literature cited by the submitters: PubMed 24304881 (cited by 3 submitters); PubMed 29270492 (cited by Labcorp Genetics (formerly Invitae), Labcorp and Athena Diagnostics); PubMed 7695699 (cited by Labcorp Genetics (formerly Invitae), Labcorp); PubMed 8218237 (cited by Labcorp Genetics (formerly Invitae), Labcorp); PubMed 19344236 (cited by Labcorp Genetics (formerly Invitae), Labcorp); PubMed 23720012 (cited by Labcorp Genetics (formerly Invitae), Labcorp); PubMed 27627812 (cited by Labcorp Genetics (formerly Invitae), Labcorp).

NM_033380.3(COL4A5):c.3410G>A (p.Gly1137Asp)

Gene: COL4A5 (collagen type IV alpha 5 chain; plus strand). Cytogenetic location: Xq22.3.
Variant type: single nucleotide variant.
Coding change: c.3410G>A on transcript NM_033380.3 (MANE Select); coding-DNA position 3410, G replaced by A.
Protein change: p.Gly1137Asp; replaces glycine 1137 with aspartic acid.
Molecular consequence: missense variant.
Genome position (GRCh38, 1-based): chrX:108,665,543, G>A. VCF-style: chrX-108665543-G-A. GRCh37 (hg19) VCF-style: chrX-107908773-G-A.
Other names: c.3410G>A, p.Gly1137Asp (NM_000495.5); short protein forms G1137D.
Identifiers: ClinVar variation 430135 (VCV000430135.16), dbSNP rs1131691795, ClinGen allele CA413847232.
Genomic context (GRCh38, chrX:108,665,543, plus strand): 5'-TTTAAATTGAGCTCTTTACTCTAGGAACCCCAGGCCCTCCTGGACCAAAAGGTATTAGTG[G>A]CCCTCCTGGGAACCCCGGCCTTCCAGGAGAACCTGGTCCTGTAGGTAAGCATGAAAAATA-3'
Protein context (NP_203699.1, residues 1127-1147): PGPPGPKGIS[Gly1137Asp]PPGNPGLPGE